The following is an entry in ClinVar:

NM_006329.4(FBLN5):c.197A>G (p.Tyr66Cys)

Gene: FBLN5 (fibulin 5; minus strand). Cytogenetic location: 14q32.12.
Variant type: single nucleotide variant.
Coding change: c.197A>G on transcript NM_006329.4 (MANE Select); coding-DNA position 197, A replaced by G.
Protein change: p.Tyr66Cys; replaces tyrosine 66 with cysteine.
Molecular consequence: missense variant.
Genome position (GRCh38, 1-based): chr14:91,937,129, T>C on the plus strand (A>G on the coding strand, the complement: FBLN5 is on the minus strand). VCF-style: chr14-91937129-T-C. GRCh37 (hg19) VCF-style: chr14-92403473-T-C.
Other names: c.320A>G, p.Tyr107Cys (NM_001384158.1); c.248A>G, p.Tyr83Cys (NM_001384159.1); c.197A>G, p.Tyr66Cys (NM_001384160.1); c.29A>G, p.Tyr10Cys (NM_001384161.1, NM_001384162.1); short protein forms Y107C, Y10C, Y66C, Y83C.
Identifiers: ClinVar variation 4874752 (VCV004874752.2).
Genomic context (GRCh38, chr14:91,937,129, plus strand): 5'-GTCGAGTAGGGGTTCGAGTAGGGCCCTCGATACACAGGGTTTGTCCGGGGAATGCATAAA[T>C]ACCCGCCATTTTGGTTAACACACATCATGTCTCCTCGGCAGGCCTCGGGGATGGTTCGGC-3'
Protein context (NP_006320.2, residues 56-76): DMMCVNQNGG[Tyr66Cys]LCIPRTNPVY

ClinVar aggregate classification (germline): Uncertain significance (1 of 4 stars; one submission).

Submission:

CeGaT Center for Human Genetics Tuebingen
Classification: Uncertain significance. Last evaluated: 2026-04-01. Review status: criteria provided, single submitter. Criteria: CeGaT Center For Human Genetics Tuebingen Variant Classification Criteria Version 2. Collection method: clinical testing. Allele origin: germline. Affected: yes. Observed: 1 variant allele.
Comment: FBLN5: PM2